The following is an entry in ClinVar:

ClinVar aggregate classification (germline): Uncertain significance (1 of 4 stars; one submission).

Submission:

Labcorp Genetics (formerly Invitae), Labcorp
Classification: Uncertain significance. Last evaluated: 2024-08-12. Review status: criteria provided, single submitter. Criteria: Invitae Variant Classification Sherloc (09022015). Collection method: clinical testing. Allele origin: germline.
Comment: This sequence change replaces glutamine, which is neutral and polar, with arginine, which is basic and polar, at codon 889 of the MYH3 protein (p.Gln889Arg). This variant is not present in population databases (gnomAD no frequency). This variant has not been reported in the literature in individuals affected with MYH3-related conditions. Advanced modeling of protein sequence and biophysical properties (such as structural, functional, and spatial information, amino acid conservation, physicochemical variation, residue mobility, and thermodynamic stability) performed at Invitae indicates that this missense variant is not expected to disrupt MYH3 protein function with a negative predictive value of 95%. In summary, the available evidence is currently insufficient to determine the role of this variant in disease. Therefore, it has been classified as a Variant of Uncertain Significance.

NM_002470.4(MYH3):c.2666A>G (p.Gln889Arg)

Gene: MYH3 (myosin heavy chain 3; minus strand). Cytogenetic location: 17p13.1.
Variant type: single nucleotide variant.
Coding change: c.2666A>G on transcript NM_002470.4 (MANE Select); coding-DNA position 2666, A replaced by G.
Protein change: p.Gln889Arg; replaces glutamine 889 with arginine.
Molecular consequence: missense variant.
Genome position (GRCh38, 1-based): chr17:10,640,012, T>C on the plus strand (A>G on the coding strand, the complement: MYH3 is on the minus strand). VCF-style: chr17-10640012-T-C. GRCh37 (hg19) VCF-style: chr17-10543329-T-C.
Other names: short protein forms Q889R.
Identifiers: ClinVar variation 3634452 (VCV003634452.2).